The following is an entry in ClinVar:

NM_199420.4(POLQ):c.127C>T (p.Pro43Ser)

Genes: POLQ (DNA polymerase theta; minus strand), LOC112872292 (Sharpr-MPRA regulatory region 30; plus strand). Cytogenetic location: 3q13.33.
Variant type: single nucleotide variant.
Coding change: c.127C>T on transcript NM_199420.4 (MANE Select); coding-DNA position 127, C replaced by T.
Protein change: p.Pro43Ser; replaces proline 43 with serine.
Molecular consequence: missense variant.
Genome position (GRCh38, 1-based): chr3:121,545,751, G>A on the plus strand (C>T on the coding strand, the complement: POLQ is on the minus strand). VCF-style: chr3-121545751-G-A. GRCh37 (hg19) VCF-style: chr3-121264598-G-A.
Other names: short protein forms P43S.
Identifiers: ClinVar variation 2448900 (VCV002448900.2), dbSNP rs2546828644, ClinGen allele CA354097011.
Genomic context (GRCh38, chr3:121,545,751, plus strand): 5'-CGGCCTCCCGGGTTCCTGGAGCACCTGCAGCTGCGGCCTTCAGGCAGCGACCAAGGCCGG[G>A]CGGCGGGCTCAGCACGGACCCGGAGAGGAACTGGGGGCTGGCACTGCTGTCACCGCCGCT-3'
Protein context (NP_955452.3, residues 33-53): FLSGSVLSPP[Pro43Ser]GLGRCLKAAA

ClinVar aggregate classification (germline): Uncertain significance (1 of 4 stars; one submission).

Allele frequency attached by ClinVar (database versions not stated): gnomAD exomes below 0.00001.
gnomAD v4.1: 2 of 1,594,878 alleles (0.00013%); highest among the groups gnomAD compares: Non-Finnish European, 0.00017%; no homozygotes.

Submission:

Ambry Genetics
Classification: Uncertain significance. Last evaluated: 2022-11-06. Review status: criteria provided, single submitter. Criteria: Ambry Variant Classification Scheme 2023. Collection method: clinical testing. Allele origin: germline.
Comment: The p.P43S variant (also known as c.127C>T), located in coding exon 1 of the POLQ gene, results from a C to T substitution at nucleotide position 127. The proline at codon 43 is replaced by serine, an amino acid with similar properties. This amino acid position is conserved. In addition, this alteration is predicted to be tolerated by in silico analysis. Since supporting evidence is limited at this time, the clinical significance of this alteration remains unclear.